The following is an entry in ClinVar:

NM_001267550.2(TTN):c.105661G>A (p.Ala35221Thr)

Genes: TTN (titin; minus strand), TTN-AS1 (TTN antisense RNA 1; plus strand), LOC129935183 (ATAC-STARR-seq lymphoblastoid active region 16808; plus strand). Cytogenetic location: 2q31.2.
Variant type: single nucleotide variant.
Coding change: c.105661G>A on transcript NM_001267550.2 (MANE Select); coding-DNA position 105661, G replaced by A.
Protein change: p.Ala35221Thr; replaces alanine 35221 with threonine.
Molecular consequence: missense variant.
Genome position (GRCh38, 1-based): chr2:178,530,954, C>T on the plus strand (G>A on the coding strand, the complement: TTN is on the minus strand). VCF-style: chr2-178530954-C-T. GRCh37 (hg19) VCF-style: chr2-179395681-C-T.
Other names: c.100738G>A, p.Ala33580Thr (NM_001256850.1); c.78466G>A, p.Ala26156Thr (NM_003319.4); c.97957G>A, p.Ala32653Thr (NM_133378.4); c.78841G>A, p.Ala26281Thr (NM_133432.3); c.79042G>A, p.Ala26348Thr (NM_133437.4); short protein forms A26156T, A26348T, A32653T, A33580T, A26281T, A35221T.
Identifiers: ClinVar variation 2945825 (VCV002945825.3), dbSNP rs2468390235, ClinGen allele CA349408184.
Genomic context (GRCh38, chr2:178,530,954, plus strand): 5'-CCCGAGGCTCTGGGGATTTGACTCTTGGTGGTGATGTCACAGCCTTTTCAGTTACCCTGG[C>T]CTTTTGAATAGTCAGAGTGAACTCTGCTTCTTGTTTCCCTTCACTGTTTTCTACCACCAC-3'
Protein context (NP_001254479.2, residues 35211-35231): EAEFTLTIQK[Ala35221Thr]RVTEKAVTSP

ClinVar aggregate classification (germline): Uncertain significance (1 of 4 stars; one submission).

Conditions:
Dilated cardiomyopathy 1G (CMD1G). Identifiers: Orphanet 154, MedGen C1858763, MONDO:0011400, OMIM 604145.
Autosomal recessive limb-girdle muscular dystrophy type 2J (LGMDR10). Also called: Limb-girdle muscular dystrophy, type 2J; MUSCULAR DYSTROPHY, LIMB-GIRDLE, AUTOSOMAL RECESSIVE 10. Identifiers: Orphanet 140922, MedGen C1837342, MONDO:0012127, OMIM 608807.

Submission:

Labcorp Genetics (formerly Invitae), Labcorp
Classification: Uncertain significance for Dilated cardiomyopathy 1G; Autosomal recessive limb-girdle muscular dystrophy type 2J. Last evaluated: 2023-03-26. Review status: criteria provided, single submitter. Criteria: Invitae Variant Classification Sherloc (09022015). Collection method: clinical testing. Allele origin: germline.
Comment: This variant has not been reported in the literature in individuals affected with TTN-related conditions. This variant is located in the M band of TTN (PMID: 25589632). Variants in this region may be relevant for neuromuscular disorders, but have not been definitively shown to cause cardiomyopathy (PMID: 23975875). In summary, the available evidence is currently insufficient to determine the role of this variant in disease. Therefore, it has been classified as a Variant of Uncertain Significance. Algorithms developed to predict the effect of missense changes on protein structure and function output the following: SIFT: "Not Available"; PolyPhen-2: "Not Available"; Align-GVGD: "Not Available". The threonine amino acid residue is found in multiple mammalian species, which suggests that this missense change does not adversely affect protein function. This variant is not present in population databases (gnomAD no frequency). This sequence change replaces alanine, which is neutral and non-polar, with threonine, which is neutral and polar, at codon 35221 of the TTN protein (p.Ala35221Thr).

Literature cited by the submitters: PubMed 25589632; PubMed 23975875.